The following is an entry in ClinVar:

NM_000051.4(ATM):c.6199G>T (p.Ala2067Ser)

Genes: ATM (ATM serine/threonine kinase; plus strand), C11orf65 (chromosome 11 open reading frame 65; minus strand). Cytogenetic location: 11q22.3.
Variant type: single nucleotide variant.
Coding change: c.6199G>T on transcript NM_000051.4 (MANE Select); coding-DNA position 6199, G replaced by T.
Protein change: p.Ala2067Ser; replaces alanine 2067 with serine.
Molecular consequence: missense variant. On other transcripts: intron variant (2).
Genome position (GRCh38, 1-based): chr11:108,317,373, G>T. VCF-style: chr11-108317373-G-T. GRCh37 (hg19) VCF-style: chr11-108188100-G-T.
Other names: c.6199G>T, p.Ala2067Ser (NM_001351834.2); c.641-8302C>A (NM_001330368.2); c.*39-8302C>A (NM_001351110.2); short protein forms A2067S.
Identifiers: ClinVar variation 923304 (VCV000923304.7), dbSNP rs1555114549, ClinGen allele CA382551010.

ClinVar aggregate classification (germline): Uncertain significance. Review status: criteria provided, multiple submitters, no conflicts (2 of 4 stars). 3 submissions from 3 submitters: Uncertain significance (3). Last evaluated 2025-12-11.

Conditions:
Hereditary cancer-predisposing syndrome. Also called: Tumor predisposition; Neoplastic Syndromes, Hereditary; Hereditary neoplastic syndrome; Hereditary Cancer Syndrome. Identifiers: Orphanet 140162, MedGen C0027672, MeSH D009386, MONDO:0015356.
Ataxia-telangiectasia syndrome (AT). Also called: Ataxia-telangiectasia, complementation group D; AT, COMPLEMENTATION GROUP C; ATAXIA-TELANGIECTASIA, COMPLEMENTATION GROUP A; ATAXIA-TELANGIECTASIA, FRESNO VARIANT; Ataxia-telangiectasia; Ataxia telangiectasia (A-T). Identifiers: Orphanet 100, MedGen C0004135, MONDO:0008840, OMIM 208900.

Allele frequency attached by ClinVar (database versions not stated): gnomAD exomes below 0.00001.
gnomAD v4.1: 1 of 1,610,232 alleles (0.000062%); highest among the groups gnomAD compares: South Asian, 0.0011%; no homozygotes.

Submissions (3):

Ambry Genetics
Classification: Uncertain significance for Hereditary cancer-predisposing syndrome. Last evaluated: 2025-12-11. Review status: criteria provided, single submitter. Criteria: Ambry Variant Classification Scheme 2023. Collection method: clinical testing. Allele origin: germline.
Comment: The p.A206S variant (also known as c.6199G>T), located in coding exon 42 of the ATM gene, results from a G to T substitution at nucleotide position 6199. This variant impacts the first base pair of coding exon 42. The alanine at codon 2067 is replaced by serine, an amino acid with similar properties. This amino acid position is not well conserved in available vertebrate species. In addition, this alteration is predicted to be tolerated by in silico analysis. Based on the available evidence, the clinical significance of this variant remains unclear.

Labcorp Genetics (formerly Invitae), Labcorp
Classification: Uncertain significance for Ataxia-telangiectasia syndrome. Last evaluated: 2024-01-26. Review status: criteria provided, single submitter. Criteria: Invitae Variant Classification Sherloc (09022015). Collection method: clinical testing. Allele origin: germline.
Comment: This sequence change replaces alanine, which is neutral and non-polar, with serine, which is neutral and polar, at codon 2067 of the ATM protein (p.Ala2067Ser). This variant is not present in population databases (gnomAD no frequency). This variant has not been reported in the literature in individuals affected with ATM-related conditions. ClinVar contains an entry for this variant (Variation ID: 923304). An algorithm developed to predict the effect of missense changes on protein structure and function (PolyPhen-2) suggests that this variant is likely to be tolerated. This variant disrupts the p.Ala2067 amino acid residue in ATM. Other variant(s) that disrupt this residue have been determined to be pathogenic (PMID: 9887333, 22345219, 25914063; Invitae). This suggests that this residue is clinically significant, and that variants that disrupt this residue are likely to be disease-causing. In summary, the available evidence is currently insufficient to determine the role of this variant in disease. Therefore, it has been classified as a Variant of Uncertain Significance.

Color Diagnostics, LLC DBA Color Health
Classification: Uncertain significance for Hereditary cancer-predisposing syndrome. Last evaluated: 2019-06-13. Review status: criteria provided, single submitter. Criteria: ACMG Guidelines, 2015. Collection method: clinical testing. Allele origin: germline.

Literature cited by the submitters: PubMed 9887333 (cited by Labcorp Genetics (formerly Invitae), Labcorp); PubMed 22345219 (cited by Labcorp Genetics (formerly Invitae), Labcorp); PubMed 25914063 (cited by Labcorp Genetics (formerly Invitae), Labcorp).